The following is an entry in ClinVar:

ClinVar aggregate classification (germline): Pathogenic/Likely pathogenic. Review status: criteria provided, multiple submitters, no conflicts (2 of 4 stars). 3 submissions from 3 submitters: Pathogenic (1); Likely pathogenic (2). Last evaluated 2025-06-06.

Conditions:
Hereditary cancer-predisposing syndrome. Also called: Neoplastic Syndromes, Hereditary; Tumor predisposition; Hereditary Cancer Syndrome; Hereditary neoplastic syndrome. Identifiers: Orphanet 140162, MedGen C0027672, MeSH D009386, MONDO:0015356.
Familial melanoma. Also called: Hereditary melanoma; Hereditary cutaneous melanoma. Identifiers: Orphanet 618, MedGen C1512419, MONDO:0018961.

Submissions (3):

Ambry Genetics
Classification: Likely pathogenic for Hereditary cancer-predisposing syndrome. Last evaluated: 2025-06-06. Review status: criteria provided, single submitter. Criteria: Ambry Variant Classification Scheme 2023. Collection method: clinical testing. Allele origin: germline.
Comment: The p.G23R variant (also known as c.67G>C), located in coding exon 1 of the CDKN2A gene, results from a G to C substitution at nucleotide position 67. The glycine at codon 23 is replaced by arginine, an amino acid with dissimilar properties. This alteration has been reported in multiple individuals with personal and/or family history of melanoma (Begg CB et al. J. Natl. Cancer Inst., 2005 Oct;97:1507-15, Goldstein AM et al. J. Med. Genet., 2007 Feb;44:99-106; Orlow I et al. J. Invest. Dermatol., 2007 May;127:1234-43; Taylor NJ et al. J. Invest. Dermatol., 2017 12;137:2606-2612; Potjer TP et al. J. Med. Genet., 2018 Oct;55:661-668). Based on internal structural analysis, this variant is anticipated to result in a significant decrease in structural stability (Russo AA et al. Nature, 1998 Sep;395:237-43). Another alteration at the same codon, p.G23S (c.67G>A), has been reported as an Italian founder mutation based on its location in a functionally important domain of the protein, segregation with disease, and haplotype analyses showing one common ancestral origin (Begg CB et al. J. Natl. Cancer Inst. 2005 Oct;97(20):1507-15; Gensini F et al. Melanoma Res. 2007 Dec;17(6):387-92). This amino acid position is highly conserved in available vertebrate species. This variant is considered to be rare based on population cohorts in the Genome Aggregation Database (gnomAD). Based on the majority of available evidence to date, this variant is likely to be pathogenic.

Labcorp Genetics (formerly Invitae), Labcorp
Classification: Pathogenic for Familial melanoma. Last evaluated: 2024-02-23. Review status: criteria provided, single submitter. Criteria: Invitae Variant Classification Sherloc (09022015). Collection method: clinical testing. Allele origin: germline.
Comment: This sequence change replaces glycine, which is neutral and non-polar, with arginine, which is basic and polar, at codon 23 of the CDKN2A (p16INK4a) protein (p.Gly23Arg). This variant is not present in population databases (gnomAD no frequency). This missense change has been observed in individual(s) with melanoma and/or pancreatic cancer (PMID: 16234564, 26775776, 27267843, 28830827, 29661971, 32482799; Invitae). It has also been observed to segregate with disease in related individuals. ClinVar contains an entry for this variant (Variation ID: 826633). An algorithm developed to predict the effect of missense changes on protein structure and function (PolyPhen-2) suggests that this variant is likely to be tolerated. Experimental studies have shown that this missense change affects CDKN2A (p16INK4a) function (PMID: 24659262). This variant disrupts the p.Gly23 amino acid residue in CDKN2A (p16INK4a). Other variant(s) that disrupt this residue have been determined to be pathogenic (PMID: 9856841, 17167857). This suggests that this residue is clinically significant, and that variants that disrupt this residue are likely to be disease-causing. For these reasons, this variant has been classified as Pathogenic.

GeneDx
Classification: Likely pathogenic. Last evaluated: 2022-12-02. Review status: criteria provided, single submitter. Criteria: GeneDx Variant Classification Process June 2021. Collection method: clinical testing. Allele origin: germline. Affected: yes.
Comment: Observed in multiple families with familial melanoma and/or pancreatic cancer (Begg et al., 2005; Goldstein et al., 2007; Orlow et al., 2007; Bruno et al., 2016; Potjer et al., 2018; Overbeek et al., 2021); Published functional studies demonstrate a damaging effect: inability to suppress cell proliferation (Scaini et al., 2014); Not observed at significant frequency in large population cohorts (gnomAD); In silico analysis supports that this missense variant has a deleterious effect on protein structure/function; This variant is associated with the following publications: (PMID: 16234564, 16905682, 29661971, 28830827, 32482799, 16896043, 26775776, 17218939, 27114589, 33237286, 24659262)

Literature cited by the submitters: PubMed 16234564 (cited by Ambry Genetics and Labcorp Genetics (formerly Invitae), Labcorp); PubMed 16905682 (cited by Ambry Genetics); PubMed 17218939 (cited by Ambry Genetics); PubMed 24659262 (cited by Ambry Genetics and Labcorp Genetics (formerly Invitae), Labcorp); PubMed 27267843 (cited by Ambry Genetics and Labcorp Genetics (formerly Invitae), Labcorp); PubMed 28830827 (cited by Ambry Genetics and Labcorp Genetics (formerly Invitae), Labcorp); PubMed 29661971 (cited by Ambry Genetics and Labcorp Genetics (formerly Invitae), Labcorp); PubMed 9751050 (cited by Ambry Genetics); PubMed 26775776 (cited by Labcorp Genetics (formerly Invitae), Labcorp); PubMed 32482799 (cited by Labcorp Genetics (formerly Invitae), Labcorp); PubMed 9856841 (cited by Labcorp Genetics (formerly Invitae), Labcorp); PubMed 17167857 (cited by Labcorp Genetics (formerly Invitae), Labcorp).

NM_000077.5(CDKN2A):c.67G>C (p.Gly23Arg)

Gene: CDKN2A (cyclin dependent kinase inhibitor 2A; minus strand). Cytogenetic location: 9p21.3.
Variant type: single nucleotide variant.
Coding change: c.67G>C on transcript NM_000077.5; coding-DNA position 67, G replaced by C.
Protein change: p.Gly23Arg; replaces glycine 23 with arginine.
Molecular consequence: intron variant (on NM_001363763.2). On other transcripts: missense variant (3).
Genome position (GRCh38, 1-based): chr9:21,974,761, C>G on the plus strand (G>C on the coding strand, the complement: CDKN2A is on the minus strand). VCF-style: chr9-21974761-C-G. GRCh37 (hg19) VCF-style: chr9-21974760-C-G.
Other names: c.-3-3553G>C (NM_001363763.2); c.194-3553G>C (NM_058195.4); c.67G>C, p.Gly23Arg (NM_000077.6, NM_001195132.2, NM_058197.5); short protein forms G23R.
Identifiers: ClinVar variation 826633 (VCV000826633.13), dbSNP rs1131691186, ClinGen allele CA373086622.